The following is an entry in ClinVar:

ClinVar aggregate classification (germline): Likely pathogenic (3 of 4 stars; one submission).

Conditions:
Hereditary thrombocytopenia and hematologic cancer predisposition syndrome. Identifiers: Orphanet 71290, MedGen CN281654, MONDO:0011071.

Submission:

ClinGen Myeloid Malignancy Variant Curation Expert Panel
Classification: Likely pathogenic for Hereditary thrombocytopenia and hematologic cancer predisposition syndrome. Last evaluated: 2026-10-02. Review status: reviewed by expert panel. Criteria: ClinGen MyeloMalig ACMG Specifications V3.1. Collection method: curation. Allele origin: germline. Inheritance: Autosomal dominant inheritance.
Comment: NM_001754.5(RUNX1):c.1118C>A (p.Ser373Ter) is a frameshift variant which is not predicted to undergo NMD (PVS1_Strong). This variant is downstream of c.98 (PM5_Supporting) and is completely absent from all population databases with at least 20x coverage for RUNX1 (PM2_Supporting). This variant has been reported in one proband meeting at least one of the RUNX1-phenotypic criteria (PS4_Supporting; PMID: 32165484). In summary, this variant meets criteria to be classified as likely pathogenic. ACMG/AMP criteria applied, as specified by the ClinGen Myeloid Malignancy Variant Curation Expert Panel for RUNX1: PVS1_Strong, PM5_Supporting, PM2_Supporting, PS4_Supporting.

NM_001754.5(RUNX1):c.1118C>A (p.Ser373Ter)

Gene: RUNX1 (RUNX family transcription factor 1; minus strand). Cytogenetic location: 21q22.12.
Variant type: single nucleotide variant.
Coding change: c.1118C>A on transcript NM_001754.5 (MANE Select); coding-DNA position 1118, C replaced by A.
Protein change: p.Ser373Ter; replaces serine 373 with a stop codon.
Molecular consequence: nonsense.
Genome position (GRCh38, 1-based): chr21:34,792,460, G>T on the plus strand (C>A on the coding strand, the complement: RUNX1 is on the minus strand). VCF-style: chr21-34792460-G-T. GRCh37 (hg19) VCF-style: chr21-36164757-G-T.
Other names: NM_001754.5:c.1118C>A; NM_001754.5(RUNX1):c.1118C>A; p.Ser373Ter; c.1037C>A, p.Ser346Ter (NM_001001890.3); short protein forms S346*, S373*.
Identifiers: ClinVar variation 3340075 (VCV003340075.3).